The following is an entry in ClinVar:

ClinVar aggregate classification (germline): Uncertain significance. Review status: criteria provided, multiple submitters, no conflicts (2 of 4 stars). 2 submissions from 2 submitters: Uncertain significance (2). Last evaluated 2025-06-12.

Conditions:
Joubert syndrome. Also called: JOUBERT-BOLTSHAUSER SYNDROME; Familial aplasia of the vermis. Identifiers: Orphanet 475, MedGen C5979921, MONDO:0018772.
Joubert syndrome 1 (JBTS1). Also called: Cerebellooculorenal syndrome 1; CEREBELLOPARENCHYMAL DISORDER IV. Identifiers: MedGen C4551568, MONDO:0008944, OMIM 213300.
MORM syndrome (MORMS). Identifiers: Orphanet 75858, MedGen C1857802, MONDO:0012423, OMIM 610156.

Allele frequency attached by ClinVar (database versions not stated): TOPMed below 0.00001; gnomAD exomes 0.00001.
gnomAD v4.1: 3 of 1,568,154 alleles (0.00019%); highest among the groups gnomAD compares: Admixed American, 0.0019%; no homozygotes.

Submissions (2):

Labcorp Genetics (formerly Invitae), Labcorp
Classification: Uncertain significance for Joubert syndrome. Last evaluated: 2025-06-12. Review status: criteria provided, single submitter. Criteria: Invitae Variant Classification Sherloc (09022015). Collection method: clinical testing. Allele origin: germline.
Comment: This sequence change replaces proline, which is neutral and non-polar, with serine, which is neutral and polar, at codon 121 of the INPP5E protein (p.Pro121Ser). This variant is not present in population databases (gnomAD no frequency). This variant has not been reported in the literature in individuals affected with INPP5E-related conditions. ClinVar contains an entry for this variant (Variation ID: 1943771). Invitae Evidence Modeling of protein sequence and biophysical properties (such as structural, functional, and spatial information, amino acid conservation, physicochemical variation, residue mobility, and thermodynamic stability) indicates that this missense variant is not expected to disrupt INPP5E protein function with a negative predictive value of 95%. In summary, the available evidence is currently insufficient to determine the role of this variant in disease. Therefore, it has been classified as a Variant of Uncertain Significance.

Fulgent Genetics
Classification: Uncertain significance for Joubert syndrome 1; MORM syndrome. Last evaluated: 2024-04-22. Review status: criteria provided, single submitter. Criteria: ACMG Guidelines, 2015. Collection method: clinical testing. Allele origin: germline.

NM_019892.6(INPP5E):c.361C>T (p.Pro121Ser)

Gene: INPP5E (inositol polyphosphate-5-phosphatase E; minus strand). Cytogenetic location: 9q34.3.
Variant type: single nucleotide variant.
Coding change: c.361C>T on transcript NM_019892.6 (MANE Select); coding-DNA position 361, C replaced by T.
Protein change: p.Pro121Ser; replaces proline 121 with serine.
Molecular consequence: missense variant.
Genome position (GRCh38, 1-based): chr9:136,439,059, G>A on the plus strand (C>T on the coding strand, the complement: INPP5E is on the minus strand). VCF-style: chr9-136439059-G-A. GRCh37 (hg19) VCF-style: chr9-139333511-G-A.
Other names: c.361C>T, p.Pro121Ser (NM_001318502.2); short protein forms P121S.
Identifiers: ClinVar variation 1943771 (VCV001943771.6), dbSNP rs1193322281, ClinGen allele CA375569519.